The following is an entry in ClinVar:

ClinVar aggregate classification (germline): Uncertain significance. Review status: criteria provided, multiple submitters, no conflicts (2 of 4 stars). 5 submissions from 5 submitters: Uncertain significance (4). 1 of the submissions does not count toward it. Last evaluated 2026-01-16.

Conditions:
Rubinstein-Taybi syndrome due to CREBBP mutations (RSTS1). Also called: Rubinstein-Taybi syndrome 1; RUBINSTEIN SYNDROME; CREBBP-Related Rubinstein-Taybi Syndrome; BROAD THUMBS AND GREAT TOES, CHARACTERISTIC FACIES, AND IMPAIRED INTELLECTUAL DEVELOPMENT; RUBINSTEIN-TAYBI SYNDROME 1, INCOMPLETE; BROAD THUMB-HALLUX SYNDROME. Identifiers: Orphanet 353277, Orphanet 783, MedGen C4551859, MONDO:0008393, OMIM 180849.
EP300-related disorder. Also called: EP300-related condition; EP300-related disorders.
Rubinstein-Taybi syndrome due to EP300 haploinsufficiency. Also called: EP300-Related Rubinstein-Taybi Syndrome; RUBINSTEIN-TAYBI SYNDROME 2. Identifiers: Orphanet 353284, Orphanet 783, MedGen C3150941, MONDO:0013364, OMIM 613684.

Submissions (5):

Dasa
Classification: Uncertain significance. Last evaluated: 2026-01-16. Review status: criteria provided, single submitter. Criteria: DASA Assertion Criteria. Collection method: clinical testing. Allele origin: germline.
Comment: NM_001429.4(EP300):c.7014_7028del (p.His2338_Pro2342del) is an in-frame deletion predicted to remove amino acids from histidine at protein position 2338 through proline at protein position 2342 without shifting the reading frame. This variant is rare in population databases. The currently available literature and clinical evidence are not sufficient to establish a definitive association between this variant and the reported condition. Therefore, this variant is classified as a variant of uncertain significance.

3billion
Classification: Uncertain significance for Rubinstein-Taybi syndrome due to EP300 haploinsufficiency. Last evaluated: 2025-01-07. Review status: criteria provided, single submitter. Criteria: ACMG Guidelines, 2015. Collection method: clinical testing. Allele origin: germline. Affected: yes.
Comment: The variant is observed at an extremely low frequency in the gnomAD v4.1.0 dataset (total allele frequency: <0.001%). Predicted Consequence/Location: Inframe deletion located in a nonrepeat region: predicted to change the length of the protein and disrupt normal protein function. The variant has been reported to be associated with EP300-related disorder (PMID: 31337854). However, the evidence of pathogenicity is insufficient at this time. Therefore, this variant is classified as VUS according to the recommendation of ACMG/AMP guideline.

Labcorp Genetics (formerly Invitae), Labcorp
Classification: Uncertain significance for Rubinstein-Taybi syndrome due to EP300 haploinsufficiency. Last evaluated: 2024-07-10. Review status: criteria provided, single submitter. Criteria: Invitae Variant Classification Sherloc (09022015). Collection method: clinical testing. Allele origin: germline.
Comment: This variant, c.7014_7028del, results in the deletion of 5 amino acid(s) of the EP300 protein (p.His2338_Pro2342del), but otherwise preserves the integrity of the reading frame. This variant is not present in population databases (gnomAD no frequency). This variant has been observed in individual(s) with EP300-related conditions (PMID: 31337854). ClinVar contains an entry for this variant (Variation ID: 803704). In summary, the available evidence is currently insufficient to determine the role of this variant in disease. Therefore, it has been classified as a Variant of Uncertain Significance.

Mendelics
Classification: Uncertain significance for Rubinstein-Taybi syndrome due to CREBBP mutations. Last evaluated: 2019-05-28. Review status: criteria provided, single submitter. Criteria: Mendelics Assertion Criteria 2017. Collection method: clinical testing. Allele origin: unknown.

PreventionGenetics, part of Exact Sciences
Classification: Uncertain significance for EP300-related condition. Last evaluated: 2024-09-05. Review status: no assertion criteria provided. Collection method: clinical testing. Allele origin: germline. Not counted in ClinVar's aggregate classification.
Comment: The EP300 c.7014_7028del15 variant is predicted to result in an in-frame deletion (p.His2338_Pro2342del). This variant was reported in an individual with Cornelia de Lange syndrome (Aoi et al 2019. PubMed ID: 31337854). This variant has not been reported in a large population database, indicating this variant is rare. At this time, the clinical significance of this variant is uncertain due to the absence of conclusive functional and genetic evidence.

Literature cited by the submitters: PubMed 31337854 (cited by 3billion and Labcorp Genetics (formerly Invitae), Labcorp).

NM_001429.4(EP300):c.7014_7028del (p.His2338_Pro2342del)

Gene: EP300 (EP300 lysine acetyltransferase; plus strand). Cytogenetic location: 22q13.2.
Variant type: Deletion.
Coding change: c.7014_7028del on transcript NM_001429.4 (MANE Select); coding-DNA positions 7014 to 7028, 15 bases deleted (CCACGTTTCCCCACA).
Protein change: p.His2338_Pro2342del.
Molecular consequence: inframe deletion.
Genome position (GRCh38, 1-based): chr22:41,178,725-41,178,739, CCACGTTTCCCCACA deleted; deleting any 15 consecutive bases within chr22:41,178,720-41,178,739 gives the same sequence; the c. name uses the placement nearest the transcript's 3' end. VCF-style (leftmost placement, unchanged base first): chr22-41178719-TCCACACCACGTTTCC-T. GRCh37 (hg19) VCF-style: chr22-41574723-TCCACACCACGTTTCC-T.
Other names: c.6936_6950del, p.His2312_Pro2316del (NM_001362843.2); c.7014_7028del15 (NM_001429.3).
Identifiers: ClinVar variation 803704 (VCV000803704.8), dbSNP rs1601642386, ClinGen allele CA915940487.